The following is an entry in ClinVar:

NM_004329.3(BMPR1A):c.676-4A>G

Gene: BMPR1A (bone morphogenetic protein receptor type 1A; plus strand). Cytogenetic location: 10q23.2.
Variant type: single nucleotide variant.
Coding change: c.676-4A>G on transcript NM_004329.3 (MANE Select); 4 bases into the intron before coding-DNA position 676, A replaced by G.
Molecular consequence: intron variant.
Genome position (GRCh38, 1-based): chr10:86,917,130, A>G. VCF-style: chr10-86917130-A-G. GRCh37 (hg19) VCF-style: chr10-88676887-A-G.
Identifiers: ClinVar variation 460509 (VCV000460509.24), dbSNP rs929042482, ClinGen allele CA211206874.
Genomic context (GRCh38, chr10:86,917,130, plus strand): 5'-CCTTTGCCAGTCTTAATGGGTTTCTTTCATCAAGAGCTCAAACCTTTTACTTTTTTCTAT[A>G]AAGGTTCAGCGAACTATTGCCAAACAGATTCAGATGGTCCGGCAAGTTGGTAAAGGCCGA-3'

ClinVar aggregate classification (germline): Conflicting classifications of pathogenicity. Review status: criteria provided, conflicting classifications (1 of 4 stars). 6 submissions from 6 submitters: Uncertain significance (1); Likely benign (5). Last evaluated 2026-02-01.

Conditions:
Juvenile polyposis syndrome (JPS). Identifiers: Orphanet 2929, MedGen C0345893, MONDO:0017380, OMIM 174900.
Hereditary cancer-predisposing syndrome. Also called: Hereditary neoplastic syndrome; Neoplastic Syndromes, Hereditary; Tumor predisposition; Hereditary Cancer Syndrome. Identifiers: Orphanet 140162, MedGen C0027672, MeSH D009386, MONDO:0015356.

Allele frequency attached by ClinVar (database versions not stated): gnomAD exomes below 0.00001; gnomAD 0.00001; TOPMed 0.00003.
gnomAD v4.1: 5 of 1,613,924 alleles (0.00031%); highest among the groups gnomAD compares: African/African-American, 0.004%; no homozygotes.

Submissions (6):

Labcorp Genetics (formerly Invitae), Labcorp
Classification: Likely benign for Juvenile polyposis syndrome. Last evaluated: 2026-02-01. Review status: criteria provided, single submitter. Criteria: Invitae Variant Classification Sherloc (09022015). Collection method: clinical testing. Allele origin: germline.

Women's Health and Genetics/Laboratory Corporation of America, LabCorp
Classification: Likely benign. Last evaluated: 2025-04-16. Review status: criteria provided, single submitter. Criteria: LabCorp Variant Classification Summary - May 2015. Collection method: clinical testing. Allele origin: germline.

All of Us Research Program, National Institutes of Health
Classification: Likely benign for Juvenile polyposis syndrome. Last evaluated: 2023-03-07. Review status: criteria provided, single submitter. Criteria: ACMG Guidelines, 2015. Collection method: clinical testing. Allele origin: germline. Inheritance: Autosomal dominant inheritance. Observed: 1 variant allele, 1 heterozygote.
Comment: This study involves interpretation of variants in research participants for the purpose of population health screening. Participant phenotype was not available at the time of variant classification. Additional details can be found in publication PMID: 35346344, PMCID: PMC8962531

Ambry Genetics
Classification: Likely benign for Hereditary cancer-predisposing syndrome. Last evaluated: 2022-02-09. Review status: criteria provided, single submitter. Criteria: Ambry Variant Classification Scheme 2023. Collection method: clinical testing. Allele origin: germline.

Quest Diagnostics Nichols Institute San Juan Capistrano
Classification: Uncertain significance. Last evaluated: 2018-08-31. Review status: criteria provided, single submitter. Criteria: Quest Diagnostics criteria. Collection method: clinical testing. Allele origin: germline.

Color Diagnostics, LLC DBA Color Health
Classification: Likely benign for Hereditary cancer-predisposing syndrome. Last evaluated: 2016-06-27. Review status: criteria provided, single submitter. Criteria: ACMG Guidelines, 2015. Collection method: clinical testing. Allele origin: germline.